The following is an entry in ClinVar:

ClinVar aggregate classification (germline): Uncertain significance. Review status: criteria provided, multiple submitters, no conflicts (2 of 4 stars). 4 submissions from 4 submitters: Uncertain significance (2). 2 of the submissions do not count toward it. Last evaluated 2018-04-04.

Conditions:
Hypertrophic cardiomyopathy 13. Also called: TNNC1-Related Familial Hypertrophic Cardiomyopathy. Identifiers: MedGen C2750472, MONDO:0013195, OMIM 613243.
Dilated cardiomyopathy 1Z (CMD1Z). Identifiers: Orphanet 154, MedGen C2678475, MONDO:0012745, OMIM 611879.

Submissions (4):

Laboratory for Molecular Medicine, Mass General Brigham Personalized Medicine
Classification: Uncertain significance. Last evaluated: 2018-04-04. Review status: criteria provided, single submitter. Criteria: LMM Criteria. Collection method: clinical testing. Allele origin: germline. Observed: 1 variant allele.
Comment: The p.Thr53Ala variant in TNNC1 has not been previously reported in individuals with cardiomyopathy and was absent from large population studies. Computational prediction tools and conservation analysis do not provide strong support for or against an impact to the protein. In summary, the clinical significance of the p .Thr53Ala variant is uncertain. ACMG/AMP Criteria applied: PM2

Labcorp Genetics (formerly Invitae), Labcorp
Classification: Uncertain significance for Hypertrophic cardiomyopathy 13; Dilated cardiomyopathy 1Z. Last evaluated: 2017-12-21. Review status: criteria provided, single submitter. Criteria: Invitae Variant Classification Sherloc (09022015). Collection method: clinical testing. Allele origin: germline.
Comment: This sequence change replaces threonine with alanine at codon 53 of the TNNC1 protein (p.Thr53Ala). The threonine residue is moderately conserved and there is a small physicochemical difference between threonine and alanine. This variant is not present in population databases (ExAC no frequency). This variant has not been reported in the literature in individuals with TNNC1-related disease. Algorithms developed to predict the effect of missense changes on protein structure and function (SIFT, PolyPhen-2, Align-GVGD) all suggest that this variant is likely to be tolerated, but these predictions have not been confirmed by published functional studies and their clinical significance is uncertain. In summary, the available evidence is currently insufficient to determine the role of this variant in disease. Therefore, it has been classified as a Variant of Uncertain Significance.

Clinical Genetics, Academic Medical Center
Classification: Uncertain significance. Review status: no assertion criteria provided. Collection method: clinical testing. Allele origin: germline. Affected: yes. Study: VKGL Data-share Consensus. Not counted in ClinVar's aggregate classification.

Genome Diagnostics Laboratory, Amsterdam University Medical Center
Classification: Uncertain significance. Review status: no assertion criteria provided. Collection method: clinical testing. Allele origin: germline. Affected: yes. Study: VKGL Data-share Consensus. Not counted in ClinVar's aggregate classification.

NM_003280.3(TNNC1):c.157A>G (p.Thr53Ala)

Gene: TNNC1 (troponin C1, slow skeletal and cardiac type; minus strand). Cytogenetic location: 3p21.1.
Variant type: single nucleotide variant.
Coding change: c.157A>G on transcript NM_003280.3 (MANE Select); coding-DNA position 157, A replaced by G.
Protein change: p.Thr53Ala; replaces threonine 53 with alanine.
Molecular consequence: missense variant.
Genome position (GRCh38, 1-based): chr3:52,452,151, T>C on the plus strand (A>G on the coding strand, the complement: TNNC1 is on the minus strand). VCF-style: chr3-52452151-T-C. GRCh37 (hg19) VCF-style: chr3-52486167-T-C.
Other names: c.157A>G (LRG_378t1); short protein forms T53A.
Identifiers: ClinVar variation 537985 (VCV000537985.12), dbSNP rs1553651742, ClinGen allele CA353168547.